The following is an entry in ClinVar:

NM_002692.4(POLE2):c.253G>A (p.Val85Ile)

Gene: POLE2 (DNA polymerase epsilon 2, accessory subunit; minus strand). Cytogenetic location: 14q21.3.
Variant type: single nucleotide variant.
Coding change: c.253G>A on transcript NM_002692.4 (MANE Select); coding-DNA position 253, G replaced by A.
Protein change: p.Val85Ile; replaces valine 85 with isoleucine.
Molecular consequence: missense variant. On other transcripts: intron variant (1).
Genome position (GRCh38, 1-based): chr14:49,674,420, C>T on the plus strand (G>A on the coding strand, the complement: POLE2 is on the minus strand). VCF-style: chr14-49674420-C-T. GRCh37 (hg19) VCF-style: chr14-50141138-C-T.
Other names: c.253G>A, p.Val85Ile (NM_001197331.3, NM_001348384.2); c.22G>A, p.Val8Ile (NM_001348385.2); c.246-204G>A (NM_001197330.2); c.253G>A (NM_002692.3); short protein forms V85I, V8I.
Identifiers: ClinVar variation 1404553 (VCV001404553.7), dbSNP rs751563432, ClinGen allele CA7173676.
Genomic context (GRCh38, chr14:49,674,420, plus strand): 5'-TTTTTCTTTCTGAATTGTACACAAAGCGTGGAATATCAAATGCTCCTATGATATTGAAAA[C>T]GTGCTCTCTGAAAAACATCCCACAAAATACAGACCTGATTTACTAAAACATAAGTACTCT-3'
Protein context (NP_002683.2, residues 75-95): SQSVDETIEH[Val85Ile]FNIIGAFDIP

ClinVar aggregate classification (germline): Conflicting classifications of pathogenicity. Review status: criteria provided, conflicting classifications (1 of 4 stars). 2 submissions from 2 submitters: Uncertain significance (1); Likely benign (1). Last evaluated 2026-01-28.

Allele frequency attached by ClinVar (database versions not stated): gnomAD 0.00001; ExAC 0.00002; gnomAD exomes 0.00002 and 0.00003; TOPMed 0.00002.
gnomAD v4.1: 40 of 1,604,798 alleles (0.0025%); highest among the groups gnomAD compares: Non-Finnish European, 0.0032%; no homozygotes.

Submissions (2):

Labcorp Genetics (formerly Invitae), Labcorp
Classification: Uncertain significance. Last evaluated: 2026-01-28. Review status: criteria provided, single submitter. Criteria: Invitae Variant Classification Sherloc (09022015). Collection method: clinical testing. Allele origin: germline.
Comment: This sequence change replaces valine, which is neutral and non-polar, with isoleucine, which is neutral and non-polar, at codon 85 of the POLE2 protein (p.Val85Ile). This variant is present in population databases (rs751563432, gnomAD 0.005%). This variant has not been reported in the literature in individuals affected with POLE2-related conditions. ClinVar contains an entry for this variant (Variation ID: 1404553). An algorithm developed to predict the effect of missense changes on protein structure and function outputs the following: PolyPhen-2: "Benign". The isoleucine amino acid residue is found in multiple mammalian species, which suggests that this missense change does not adversely affect protein function. In summary, the available evidence is currently insufficient to determine the role of this variant in disease. Therefore, it has been classified as a Variant of Uncertain Significance.

Ambry Genetics
Classification: Likely benign. Last evaluated: 2025-02-18. Review status: criteria provided, single submitter. Criteria: Ambry Variant Classification Scheme 2023. Collection method: clinical testing. Allele origin: germline.